The following is an entry in ClinVar:

NC_000001.11:g.(?_161314396)_(161340665_?)dup

Gene: SDHC (succinate dehydrogenase complex subunit C; plus strand). Cytogenetic location: 1q23.3.
Variant type: Duplication.
Identifiers: ClinVar variation 831371 (VCV000831371.15).

ClinVar aggregate classification (germline): Uncertain significance (1 of 4 stars; one submission).

Conditions:
Pheochromocytoma/paraganglioma syndrome 3. Also called: GLOMUS TUMORS, FAMILIAL, 3; Paragangliomas 3; SDHC-Related Hereditary Paraganglioma-Pheochromocytoma Syndrome (Paragangliomas 3); SDHC-Related Hereditary Paraganglioma-Pheochromocytoma Syndrome. Identifiers: Orphanet 29072, MedGen C1854336, MONDO:0011544, OMIM 605373.
Gastrointestinal stromal tumor. Also called: Gastrointestinal stromal tumor, somatic; Gastrointestinal stroma tumor. Identifiers: Orphanet 44890, MedGen C0238198, MeSH D046152, MONDO:0011719, OMIM 606764, HP:0100723.

Submission:

Labcorp Genetics (formerly Invitae), Labcorp
Classification: Uncertain significance for Pheochromocytoma/paraganglioma syndrome 3; Gastrointestinal stromal tumor. Last evaluated: 2019-07-10. Review status: criteria provided, single submitter. Criteria: Invitae Variant Classification Sherloc (09022015). Collection method: clinical testing. Allele origin: germline.
Comment: In summary, the available evidence is currently insufficient to determine the role of this variant in disease. Therefore, it has been classified as a Variant of Uncertain Significance. This variant has not been reported in the literature in individuals with SDHC-related conditions. This variant results in a copy number gain of the genomic region encompassing exons 1-4 of the SDHC gene, which includes the initiator codon. The 5' end of this event is unknown as it extends beyond the assayed region for this gene and therefore may encompass additional genes. The 3' boundary is likely confined to intron 4 of the SDHC gene. As the precise location of this event is unknown, it may be in tandem or it may be located elsewhere in the genome.